The following is an entry in ClinVar:

ClinVar aggregate classification (germline): Likely benign. Review status: criteria provided, multiple submitters, no conflicts (2 of 4 stars). 3 submissions from 3 submitters: Likely benign (2). 1 of the submissions does not count toward it. Last evaluated 2026-01-22.

Conditions:
Isovaleryl-CoA dehydrogenase deficiency (IVA). Also called: ISOVALERIC ACID CoA DEHYDROGENASE DEFICIENCY; IVD DEFICIENCY; Isovaleric acidemia; Classic Isovaleric Acidemia. Identifiers: Orphanet 33, MedGen C0268575, MONDO:0009475, OMIM 243500.

Allele frequency attached by ClinVar (database versions not stated): gnomAD 0.00025 and 0.00026; TOPMed 0.00028; ESP Exome Variant Server 0.00054; gnomAD exomes 0.00101; ExAC 0.00181.

Submissions (3):

Labcorp Genetics (formerly Invitae), Labcorp
Classification: Likely benign for Isovaleryl-CoA dehydrogenase deficiency. Last evaluated: 2026-01-22. Review status: criteria provided, single submitter. Criteria: Invitae Variant Classification Sherloc (09022015). Collection method: clinical testing. Allele origin: germline.

Illumina Laboratory Services, Illumina
Classification: Likely benign for Isovaleryl-CoA dehydrogenase deficiency. Last evaluated: 2018-01-12. Review status: criteria provided, single submitter. Criteria: ICSL Variant Classification Criteria 13 December 2019. Collection method: clinical testing. Allele origin: germline.
Comment: This variant was observed in the ICSL laboratory as part of a predisposition screen in an ostensibly healthy population. It had not been previously curated by ICSL or reported in the Human Gene Mutation Database (HGMD: prior to June 1st, 2018), and was therefore a candidate for classification through an automated scoring system. Utilizing variant allele frequency, disease prevalence and penetrance estimates, and inheritance mode, an automated score was calculated to assess if this variant is too frequent to cause the disease. Based on the score and internal cut-off values, a variant classified as likely benign is not then subjected to further curation. The score for this variant resulted in a classification of likely benign for this disease.

Natera, Inc.
Classification: Likely benign for Isovaleryl-coa dehydrogenase deficiency. Last evaluated: 2017-06-13. Review status: no assertion criteria provided. Collection method: clinical testing. Allele origin: germline. Not counted in ClinVar's aggregate classification.

NM_002225.5(IVD):c.916C>G (p.Leu306Val)

Gene: IVD (isovaleryl-CoA dehydrogenase; plus strand). Cytogenetic location: 15q15.1.
Variant type: single nucleotide variant.
Coding change: c.916C>G on transcript NM_002225.5 (MANE Select); coding-DNA position 916, C replaced by G.
Protein change: p.Leu306Val; replaces leucine 306 with valine.
Molecular consequence: missense variant. On other transcripts: non-coding transcript variant (1).
Genome position (GRCh38, 1-based): chr15:40,415,438, C>G. VCF-style: chr15-40415438-C-G. GRCh37 (hg19) VCF-style: chr15-40707637-C-G.
Other names: c.826C>G, p.Leu276Val (NM_001159508.3); c.868C>G, p.Leu290Val (NM_001354597.3); c.916C>G, p.Leu306Val (NM_001354598.3, NM_001354601.3); c.1003C>G, p.Leu335Val (NM_001354599.3, NM_001354600.3); short protein forms L306V, L335V, L276V, L290V.
Identifiers: ClinVar variation 315801 (VCV000315801.19), dbSNP rs144418134, ClinGen allele CA7480797.